The following is an entry in ClinVar:

NM_002469.3(MYF6):c.176A>T (p.Glu59Val)

Gene: MYF6 (myogenic factor 6; plus strand). Cytogenetic location: 12q21.31.
Variant type: single nucleotide variant.
Coding change: c.176A>T on transcript NM_002469.3 (MANE Select); coding-DNA position 176, A replaced by T.
Protein change: p.Glu59Val; replaces glutamic acid 59 with valine.
Molecular consequence: missense variant.
Genome position (GRCh38, 1-based): chr12:80,707,895, A>T. VCF-style: chr12-80707895-A-T. GRCh37 (hg19) VCF-style: chr12-81101674-A-T.
Other names: short protein forms E59V.
Identifiers: ClinVar variation 840187 (VCV000840187.11), dbSNP rs1332444958, ClinGen allele CA385862597.

ClinVar aggregate classification (germline): Uncertain significance (1 of 4 stars; one submission).

Conditions:
Autosomal dominant centronuclear myopathy. Also called: MYOTUBULAR MYOPATHY, AUTOSOMAL DOMINANT; Myopathy, centronuclear, 3. Identifiers: Orphanet 169189, MedGen C4551952, MeSH D020914, MONDO:0008048, OMIM 160150.

Allele frequency attached by ClinVar (database versions not stated): gnomAD exomes below 0.00001.
gnomAD v4.1: 9 of 1,614,142 alleles (0.00056%); highest among the groups gnomAD compares: African/African-American, 0.0013%; no homozygotes.

Submission:

Labcorp Genetics (formerly Invitae), Labcorp
Classification: Uncertain significance for Autosomal dominant centronuclear myopathy. Last evaluated: 2022-10-25. Review status: criteria provided, single submitter. Criteria: Invitae Variant Classification Sherloc (09022015). Collection method: clinical testing. Allele origin: germline.
Comment: Advanced modeling of protein sequence and biophysical properties (such as structural, functional, and spatial information, amino acid conservation, physicochemical variation, residue mobility, and thermodynamic stability) performed at Invitae indicates that this missense variant is not expected to disrupt MYF6 protein function. This sequence change replaces glutamic acid, which is acidic and polar, with valine, which is neutral and non-polar, at codon 59 of the MYF6 protein (p.Glu59Val). This variant is present in population databases (no rsID available, gnomAD 0.0009%). This variant has not been reported in the literature in individuals affected with MYF6-related conditions. ClinVar contains an entry for this variant (Variation ID: 840187). In summary, the available evidence is currently insufficient to determine the role of this variant in disease. Therefore, it has been classified as a Variant of Uncertain Significance.